The following is an entry in ClinVar:

ClinVar aggregate classification (germline): Likely pathogenic (1 of 4 stars; one submission).

Conditions:
Diabetes, deafness, developmental delay, and short stature syndrome (DDDS). Identifiers: MedGen C5882732, MONDO:0957997, OMIM 620651.

Submission:

Institute of Human Genetics, University of Leipzig Medical Center
Classification: Likely pathogenic for Diabetes, deafness, developmental delay, and short stature syndrome. Last evaluated: 2025-02-06. Review status: criteria provided, single submitter. Criteria: ACMG Guidelines, 2015. Collection method: clinical testing. Allele origin: inherited. Affected: yes.
Comment: Criteria applied: PM2,PM3, PP1_MOD

NM_006010.6(MANF):c.15G>A (p.Trp5Ter)

Genes: MANF (mesencephalic astrocyte derived neurotrophic factor; plus strand), LOC129936816 (ATAC-STARR-seq lymphoblastoid silent region 14408; plus strand). Cytogenetic location: 3p21.2.
Variant type: single nucleotide variant.
Coding change: c.15G>A on transcript NM_006010.6 (MANE Select); coding-DNA position 15, G replaced by A.
Protein change: p.Trp5Ter; replaces tryptophan 5 with a stop codon.
Molecular consequence: nonsense.
Genome position (GRCh38, 1-based): chr3:51,385,357, G>A. VCF-style: chr3-51385357-G-A. GRCh37 (hg19) VCF-style: chr3-51422788-G-A.
Other names: short protein forms W5*.
Identifiers: ClinVar variation 3773691 (VCV003773691.3).